The following is an entry in ClinVar:

NM_006939.4(SOS2):c.3155T>C (p.Leu1052Ser)

Gene: SOS2 (SOS Ras/Rho guanine nucleotide exchange factor 2; minus strand). Cytogenetic location: 14q21.3.
Variant type: single nucleotide variant.
Coding change: c.3155T>C on transcript NM_006939.4 (MANE Select); coding-DNA position 3155, T replaced by C.
Protein change: p.Leu1052Ser; replaces leucine 1052 with serine.
Molecular consequence: missense variant.
Genome position (GRCh38, 1-based): chr14:50,130,683, A>G on the plus strand (T>C on the coding strand, the complement: SOS2 is on the minus strand). VCF-style: chr14-50130683-A-G. GRCh37 (hg19) VCF-style: chr14-50597401-A-G.
Other names: c.3056T>C, p.Leu1019Ser (NM_001411020.1); short protein forms L1019S, L1052S.
Identifiers: ClinVar variation 4755322 (VCV004755322.1).

ClinVar aggregate classification (germline): Uncertain significance (1 of 4 stars; one submission).

Conditions:
Noonan syndrome 9 (NS9). Identifiers: Orphanet 648, MedGen C4225282, MONDO:0014691, OMIM 616559.

gnomAD v4.1: 3 of 1,613,838 alleles (0.00019%); highest among the groups gnomAD compares: Non-Finnish European, 0.00025%; no homozygotes.

Submission:

Labcorp Genetics (formerly Invitae), Labcorp
Classification: Uncertain significance for Noonan syndrome 9. Last evaluated: 2025-11-09. Review status: criteria provided, single submitter. Criteria: Invitae Variant Classification Sherloc (09022015). Collection method: clinical testing. Allele origin: germline.
Comment: This sequence change replaces leucine, which is neutral and non-polar, with serine, which is neutral and polar, at codon 1052 of the SOS2 protein (p.Leu1052Ser). This variant is not present in population databases (gnomAD no frequency). This variant has not been reported in the literature in individuals affected with SOS2-related conditions. Invitae Evidence Modeling of protein sequence and biophysical properties (such as structural, functional, and spatial information, amino acid conservation, physicochemical variation, residue mobility, and thermodynamic stability) indicates that this missense variant is not expected to disrupt SOS2 protein function with a negative predictive value of 95%. In summary, the available evidence is currently insufficient to determine the role of this variant in disease. Therefore, it has been classified as a Variant of Uncertain Significance.